The following is an entry in ClinVar:

ClinVar aggregate classification (germline): Uncertain significance. Review status: criteria provided, multiple submitters, no conflicts (2 of 4 stars). 2 submissions from 2 submitters: Uncertain significance (2). Last evaluated 2025-08-17.

Conditions:
Mitochondrial complex II deficiency, nuclear type 1. Also called: SUCCINATE CoQ REDUCTASE DEFICIENCY. Identifiers: Orphanet 3208, MedGen C5700310, MONDO:0100294, OMIM 252011.
Pheochromocytoma/paraganglioma syndrome 5. Also called: Paragangliomas 5; SDHA-Related Hereditary Paraganglioma-Pheochromocytoma Syndrome. Identifiers: Orphanet 29072, MedGen C3279992, MONDO:0013602, OMIM 614165.
Hereditary cancer-predisposing syndrome. Also called: Neoplastic Syndromes, Hereditary; Hereditary Cancer Syndrome; Hereditary neoplastic syndrome; Tumor predisposition. Identifiers: Orphanet 140162, MedGen C0027672, MeSH D009386, MONDO:0015356.

Allele frequency attached by ClinVar (database versions not stated): gnomAD exomes below 0.00001; ExAC 0.00001; gnomAD 0.00001 and 0.00003; TOPMed 0.00001.
gnomAD v4.1: 2 of 1,613,512 alleles (0.00012%); highest among the groups gnomAD compares: Admixed American, 0.0017%; no homozygotes.

Submissions (2):

Labcorp Genetics (formerly Invitae), Labcorp
Classification: Uncertain significance for Pheochromocytoma/paraganglioma syndrome 5; Mitochondrial complex II deficiency, nuclear type 1. Last evaluated: 2025-08-17. Review status: criteria provided, single submitter. Criteria: Invitae Variant Classification Sherloc (09022015). Collection method: clinical testing. Allele origin: germline.
Comment: This sequence change replaces alanine, which is neutral and non-polar, with valine, which is neutral and non-polar, at codon 64 of the SDHA protein (p.Ala64Val). This variant is present in population databases (rs760510019, gnomAD 0.004%). This variant has not been reported in the literature in individuals affected with SDHA-related conditions. ClinVar contains an entry for this variant (Variation ID: 486363). Invitae Evidence Modeling of protein sequence and biophysical properties (such as structural, functional, and spatial information, amino acid conservation, physicochemical variation, residue mobility, and thermodynamic stability) indicates that this missense variant is not expected to disrupt SDHA protein function with a negative predictive value of 95%. In summary, the available evidence is currently insufficient to determine the role of this variant in disease. Therefore, it has been classified as a Variant of Uncertain Significance.

Ambry Genetics
Classification: Uncertain significance for Hereditary cancer-predisposing syndrome. Last evaluated: 2025-07-21. Review status: criteria provided, single submitter. Criteria: Ambry Variant Classification Scheme 2023. Collection method: clinical testing. Allele origin: germline.
Comment: The p.A64V variant (also known as c.191C>T), located in coding exon 3 of the SDHA gene, results from a C to T substitution at nucleotide position 191. The alanine at codon 64 is replaced by valine, an amino acid with similar properties. This amino acid position is highly conserved in available vertebrate species. In addition, the in silico prediction for this alteration is inconclusive. Based on the available evidence, the clinical significance of this variant remains unclear.

NM_004168.4(SDHA):c.191C>T (p.Ala64Val)

Gene: SDHA (succinate dehydrogenase complex flavoprotein subunit A; plus strand). Cytogenetic location: 5p15.33.
Variant type: single nucleotide variant.
Coding change: c.191C>T on transcript NM_004168.4 (MANE Select); coding-DNA position 191, C replaced by T.
Protein change: p.Ala64Val; replaces alanine 64 with valine.
Molecular consequence: missense variant.
Genome position (GRCh38, 1-based): chr5:224,400, C>T. VCF-style: chr5-224400-C-T. GRCh37 (hg19) VCF-style: chr5-224515-C-T.
Other names: c.191C>T, p.Ala64Val (NM_001294332.2, NM_001330758.2); short protein forms A64V.
Identifiers: ClinVar variation 486363 (VCV000486363.15), dbSNP rs760510019, ClinGen allele CA3172749.